The following is an entry in ClinVar:

NM_018896.5(CACNA1G):c.1924G>A (p.Gly642Ser)

Gene: CACNA1G (calcium voltage-gated channel subunit alpha1 G; plus strand). Cytogenetic location: 17q21.33.
Variant type: single nucleotide variant.
Coding change: c.1924G>A on transcript NM_018896.5 (MANE Select); coding-DNA position 1924, G replaced by A.
Protein change: p.Gly642Ser; replaces glycine 642 with serine.
Molecular consequence: missense variant. On other transcripts: non-coding transcript variant (5).
Genome position (GRCh38, 1-based): chr17:50,576,326, G>A. VCF-style: chr17-50576326-G-A. GRCh37 (hg19) VCF-style: chr17-48653687-G-A.
Other names: c.1924G>A, p.Gly642Ser (NM_001256324.2, NM_001256325.2, NM_001256326.2 and 24 more transcripts); short protein forms G642S.
Identifiers: ClinVar variation 808293 (VCV000808293.45), dbSNP rs759240788, ClinGen allele CA8652266.

ClinVar aggregate classification (germline): Uncertain significance. Review status: criteria provided, multiple submitters, no conflicts (2 of 4 stars). 2 submissions from 2 submitters: Uncertain significance (2). Last evaluated 2025-04-22.

Allele frequency attached by ClinVar (database versions not stated): ExAC 0.00004; gnomAD exomes 0.00005; TOPMed 0.00014; 1000 Genomes Project 30x 0.00016.
gnomAD v4.1: 236 of 1,567,186 alleles (0.015%); highest among the groups gnomAD compares: Non-Finnish European, 0.02%; no homozygotes.

Submissions (2):

Labcorp Genetics (formerly Invitae), Labcorp
Classification: Uncertain significance. Last evaluated: 2025-04-22. Review status: criteria provided, single submitter. Criteria: Invitae Variant Classification Sherloc (09022015). Collection method: clinical testing. Allele origin: germline.
Comment: This sequence change affects codon 642 of the CACNA1G mRNA. It is a 'silent' change, meaning that it does not change the encoded amino acid sequence of the CACNA1G protein. This variant also falls at the last nucleotide of exon 8, which is part of the consensus splice site for this exon. This variant is present in population databases (rs759240788, gnomAD 0.01%). This variant has not been reported in the literature in individuals affected with CACNA1G-related conditions. ClinVar contains an entry for this variant (Variation ID: 808293). An algorithm developed to predict the effect of missense changes on protein structure and function (PolyPhen-2) suggests that this variant is likely to be tolerated. Variants that disrupt the consensus splice site are a relatively common cause of aberrant splicing (PMID: 17576681, 9536098). In summary, the available evidence is currently insufficient to determine the role of this variant in disease. Therefore, it has been classified as a Variant of Uncertain Significance.

CeGaT Center for Human Genetics Tuebingen
Classification: Uncertain significance. Last evaluated: 2019-07-01. Review status: criteria provided, single submitter. Criteria: CeGaT Center For Human Genetics Tuebingen Variant Classification Criteria Version 2. Collection method: clinical testing. Allele origin: germline. Affected: yes. Observed: 1 variant allele.

Literature cited by the submitters: PubMed 17576681 (cited by Labcorp Genetics (formerly Invitae), Labcorp); PubMed 9536098 (cited by Labcorp Genetics (formerly Invitae), Labcorp).